The following is an entry in ClinVar:

NM_014423.4(AFF4):c.2623T>G (p.Ser875Ala)

Gene: AFF4 (ALF transcription elongation factor 4; minus strand). Cytogenetic location: 5q31.1.
Variant type: single nucleotide variant.
Coding change: c.2623T>G on transcript NM_014423.4 (MANE Select); coding-DNA position 2623, T replaced by G.
Protein change: p.Ser875Ala; replaces serine 875 with alanine.
Molecular consequence: missense variant.
Genome position (GRCh38, 1-based): chr5:132,892,178, A>C on the plus strand (T>G on the coding strand, the complement: AFF4 is on the minus strand). VCF-style: chr5-132892178-A-C. GRCh37 (hg19) VCF-style: chr5-132227870-A-C.
Other names: short protein forms S875A.
Identifiers: ClinVar variation 3840225 (VCV003840225.2).
Genomic context (GRCh38, chr5:132,892,178, plus strand): 5'-GGCAAGTTGAATGATTTTCAAAAGCCCCAGGCCCCCAACACTTTACCTTAACCTCCTTGG[A>C]GCTACTGGAAGTCTTCCCTTCGGTCTTCTTCTGCTTTGATGTGGAGGAACTGTTTTTGCT-3'
Protein context (NP_055238.1, residues 865-885): KKTEGKTSSS[Ser875Ala]KEVKEKAPSS

ClinVar aggregate classification (germline): Uncertain significance. Review status: criteria provided, multiple submitters, no conflicts (2 of 4 stars). 2 submissions from 2 submitters: Uncertain significance (2). Last evaluated 2025-08-20.

Conditions:
AFF4-related disorder. Also called: AFF4-related condition.
Inborn genetic diseases. Identifiers: MedGen C0950123, MeSH D030342.

gnomAD v4.1: 10 of 1,613,980 alleles (0.00062%); highest among the groups gnomAD compares: Admixed American, 0.0017%; no homozygotes.

Submissions (2):

PreventionGenetics, part of Exact Sciences
Classification: Uncertain significance for AFF4-related condition. Last evaluated: 2025-08-20. Review status: criteria provided, single submitter. Criteria: ACMG Guidelines, 2015. Collection method: clinical testing. Allele origin: germline.
Comment: The AFF4 c.2623T>G variant is predicted to result in the amino acid substitution p.Ser875Ala. To our knowledge, this variant has not been reported in the literature. This variant is reported in 0.013% of alleles in individuals of European (Non-Finnish) descent in gnomAD, which may be too common to be an undocumented cause of disease. Although we suspect that this variant may be benign, at this time, the clinical significance of this variant is uncertain due to the absence of conclusive functional and genetic evidence.

Ambry Genetics
Classification: Uncertain significance for Inborn genetic diseases. Last evaluated: 2024-12-28. Review status: criteria provided, single submitter. Criteria: Ambry Variant Classification Scheme 2023. Collection method: clinical testing. Allele origin: germline.